The following is an entry in ClinVar:

NM_014208.3(DSPP):c.3262_3318del (p.Ser1088_Ser1106del)

Genes: DMP1-AS1 (DMP1 and DSPP antisense RNA 1; minus strand), DSPP (dentin sialophosphoprotein; plus strand). Cytogenetic location: 4q22.1.
Variant type: Deletion.
Coding change: c.3262_3318del on transcript NM_014208.3 (MANE Select); coding-DNA positions 3262 to 3318, 57 bases deleted.
Protein change: p.Ser1088_Ser1106del.
Genome position (GRCh38, 1-based): chr4:87,615,924-87,615,980, 57 bases deleted. GRCh37 (hg19): chr4:88,537,076-88,537,132.
Identifiers: ClinVar variation 3771195 (VCV003771195.13).

ClinVar aggregate classification (germline): Likely benign (1 of 4 stars; one submission).

Submission:

CeGaT Center for Human Genetics Tuebingen
Classification: Likely benign. Last evaluated: 2025-02-01. Review status: criteria provided, single submitter. Criteria: CeGaT Center For Human Genetics Tuebingen Variant Classification Criteria Version 2. Collection method: clinical testing. Allele origin: germline. Affected: yes. Observed: 1 variant allele.
Comment: DSPP: BS2